The following is an entry in ClinVar:

ClinVar aggregate classification (germline): Pathogenic (1 of 4 stars; one submission).

Conditions:
Gorlin syndrome. Also called: Nevoid Basal Cell Carcinoma Syndrome; Basal cell nevus syndrome. Identifiers: Orphanet 377, MedGen C0004779, MONDO:0007187.

Submission:

Labcorp Genetics (formerly Invitae), Labcorp
Classification: Pathogenic for Gorlin syndrome. Last evaluated: 2025-08-07. Review status: criteria provided, single submitter. Criteria: Invitae Variant Classification Sherloc (09022015). Collection method: clinical testing. Allele origin: germline.
Comment: This sequence change falls in intron 5 of the PTCH1 gene. It does not directly change the encoded amino acid sequence of the PTCH1 protein. RNA analysis indicates that this variant induces altered splicing and likely results in a shortened protein product. This variant is not present in population databases (gnomAD no frequency). This variant has not been reported in the literature in individuals affected with PTCH1-related conditions. ClinVar contains an entry for this variant (Variation ID: 2829769). Variants that disrupt the consensus splice site are a relatively common cause of aberrant splicing (PMID: 17576681, 9536098). Studies have shown that this variant results in skipping of exons 4-5, but is expected to preserve the integrity of the reading-frame (internal data). This variant disrupts a region of the PTCH1 protein in which other variant(s) (p.Glu237Lys) have been determined to be pathogenic (PMID: 21514272). This suggests that this is a clinically significant region of the protein, and that variants that disrupt it are likely to be disease-causing. For these reasons, this variant has been classified as Pathogenic.

Literature cited by the submitters: PubMed 17576681; PubMed 9536098; PubMed 21514272.

NM_000264.5(PTCH1):c.746+2dup

Gene: PTCH1 (patched 1; minus strand). Cytogenetic location: 9q22.32.
Variant type: Duplication.
Coding change: c.746+2dup on transcript NM_000264.5 (MANE Select); the canonical splice donor site of the intron after coding-DNA position 746, one base duplicated (T; older notation c.746+2dupT).
Molecular consequence: splice donor variant. On other transcripts: frameshift variant (1), stop lost (1).
Genome position (GRCh38, 1-based): chr9:95,481,947, A duplicated on the plus strand (T on the coding strand, the reverse complement: PTCH1 is on the minus strand). VCF-style (leftmost placement, unchanged base first): chr9-95481946-T-TA. GRCh37 (hg19) VCF-style: chr9-98244228-T-TA.
Other names: c.550dup, p.Ter184LeuextTer? (NM_001354919.2); c.743+2dup (NM_001083603.3); c.548+2dup (NM_001083602.3); c.746+2dup (NM_001354918.2); c.293+2dup (NM_001083605.3, NM_001083604.3, NM_001083606.3 and 1 more transcripts).
Identifiers: ClinVar variation 2829769 (VCV002829769.3), dbSNP rs2538244290, ClinGen allele CA2739264798.